The following is an entry in ClinVar:

ClinVar aggregate classification (germline): Likely pathogenic. Review status: criteria provided, multiple submitters, no conflicts (2 of 4 stars). 2 submissions from 2 submitters: Likely pathogenic (2). Last evaluated 2020-02-20.

Conditions:
Achromatopsia. Also called: Rod monochromatism. Identifiers: Orphanet 49382, MedGen C0152200, MONDO:0018852, HP:0011516.

gnomAD v4.1: 16 of 1,599,480 alleles (0.001%); highest among the groups gnomAD compares: Non-Finnish European, 0.0014%; no homozygotes.

Submissions (2):

Laboratory for Molecular Medicine, Mass General Brigham Personalized Medicine
Classification: Likely pathogenic for Achromatopsia. Last evaluated: 2020-02-20. Review status: criteria provided, single submitter. Criteria: LMM Criteria. Collection method: clinical testing. Allele origin: germline. Inheritance: Autosomal recessive inheritance. Observed: 1 variant allele.
Comment: The c.484+1G>T variant in ATF6 has not been previously reported in individuals with achromatopsia but has been identified in 0.0009% (1/110222) of European chromosomes by gnomAD. This variant occurs within the canonical splice site (+/- 1,2) and is predicted to cause altered splicing leading to an abnormal or absent protein. Loss of function of the ATF6 gene is an established disease mechanism in autosomal recessive achromatopsia. In summary, although additional studies are required to fully establish its clinical significance, this variant meets criteria to be classified as likely pathogenic for autosomal recessive achromatopsia. ACMG/AMP Criteria applied: PVS1, PM2.

Labcorp Genetics (formerly Invitae), Labcorp
Classification: Likely pathogenic. Last evaluated: 2017-08-23. Review status: criteria provided, single submitter. Criteria: Invitae Variant Classification Sherloc (09022015). Collection method: clinical testing. Allele origin: germline.
Comment: This sequence change affects a donor splice site in intron 5 of the ATF6 gene. It is expected to disrupt RNA splicing and likely results in an absent or disrupted protein product. This variant is not present in population databases (ExAC no frequency). This variant has not been reported in the literature in individuals with ATF6-related disease. Donor and acceptor splice site variants typically lead to a loss of protein function (PMID: 16199547), and loss-of-function variants in ATF6 are known to be pathogenic (PMID: 26029869, 26063662, 26070061). In summary, the currently available evidence indicates that the variant is pathogenic, but additional data are needed to prove that conclusively. Therefore, this variant has been classified as Likely Pathogenic.

Literature cited by the submitters: PubMed 16199547 (cited by Labcorp Genetics (formerly Invitae), Labcorp); PubMed 26029869 (cited by Labcorp Genetics (formerly Invitae), Labcorp); PubMed 26063662 (cited by Labcorp Genetics (formerly Invitae), Labcorp); PubMed 26070061 (cited by Labcorp Genetics (formerly Invitae), Labcorp).

NM_007348.4(ATF6):c.484+1G>T

Gene: ATF6 (activating transcription factor 6; plus strand). Cytogenetic location: 1q23.3.
Variant type: single nucleotide variant.
Coding change: c.484+1G>T on transcript NM_007348.4 (MANE Select); the canonical splice donor site of the intron after coding-DNA position 484, G replaced by T.
Molecular consequence: splice donor variant.
Genome position (GRCh38, 1-based): chr1:161,791,538, G>T. VCF-style: chr1-161791538-G-T. GRCh37 (hg19) VCF-style: chr1-161761328-G-T.
Other names: c.484+1G>T (NM_001410890.1).
Identifiers: ClinVar variation 930028 (VCV000930028.9), dbSNP rs764142241, ClinGen allele CA31734156.
Genomic context (GRCh38, chr1:161,791,538, plus strand): 5'-TCTCTTCAGCGGAGCCACTGAAGGAAGATAAGCCTGTCACTGGTCCTAGGAACAAGACTG[G>T]TATTACTCTATCTCCTAACTTCTGTTATTTCTATTTCAGATTGAGCTTAGGTTCCATTTC-3'